The following is an entry in ClinVar:

ClinVar aggregate classification (germline): Likely pathogenic (1 of 4 stars; one submission).

Submission:

GeneDx
Classification: Likely pathogenic. Last evaluated: 2018-12-20. Review status: criteria provided, single submitter. Criteria: GeneDx Variant Classification (06012015). Collection method: clinical testing. Allele origin: germline. Affected: yes.
Comment: The c.42833_42843del11 variant has not been published as a pathogenic variant, nor has it been reported as a benign variant to our knowledge. This variant is not observed in large population cohorts (Lek et al., 2016). The c.42833_42843del11 variant causes a frameshift starting with codon Isoleucine 14278, changes this amino acid to an Asparagine residue, and creates a premature Stop codon at position 9 of the new reading frame, denoted p.Ile14278AsnfsX9. This variant is predicted to cause loss of normal protein function either through protein truncation or nonsense-mediated mRNA decay. The c.42833_42843del11 variant is located in the A-band of the titin protein, where the majority of pathogenic truncating variants have been reported.

NM_001267550.2(TTN):c.50537_50547del (p.Ile16846fs)

Genes: TTN (titin; minus strand), TTN-AS1 (TTN antisense RNA 1; plus strand). Cytogenetic location: 2q31.2.
Variant type: Deletion.
Coding change: c.50537_50547del on transcript NM_001267550.2 (MANE Select); coding-DNA positions 50537 to 50547, 11 bases deleted (TTGAAGATCCA).
Protein change: p.Ile16846fs; shifts the reading frame from isoleucine 16846.
Molecular consequence: frameshift variant.
Genome position (GRCh38, 1-based): chr2:178,611,762-178,611,772, TGGATCTTCAA deleted on the plus strand (TTGAAGATCCA on the coding strand, the reverse complement: TTN is on the minus strand); deleting any 11 consecutive bases within chr2:178,611,762-178,611,777 gives the same sequence; the c. name uses the placement nearest the transcript's 3' end. VCF-style (leftmost placement, unchanged base first): chr2-178611761-TTGGATCTTCAA-T. GRCh37 (hg19) VCF-style: chr2-179476488-TTGGATCTTCAA-T.
Other names: c.45614_45624del, p.Ile15205fs (NM_001256850.1); c.23342_23352del, p.Ile7781fs (NM_003319.4); c.42833_42843del, p.Ile14278fs (NM_133378.4); c.23717_23727del, p.Ile7906fs (NM_133432.3); c.23918_23928del, p.Ile7973fs (NM_133437.4); c.45614_45624delTTGAAGATCCA (NM_001256850.1); short protein forms I7906fs, I15205fs, I7973fs, I16846fs, I7781fs, I14278fs.
Identifiers: ClinVar variation 817358 (VCV000817358.1), dbSNP rs1576423296, ClinGen allele CA915942239.